The following is an entry in ClinVar:

NM_002691.4(POLD1):c.1242+9T>A

Gene: POLD1 (DNA polymerase delta 1, catalytic subunit; plus strand). Cytogenetic location: 19q13.33.
Variant type: single nucleotide variant.
Coding change: c.1242+9T>A on transcript NM_002691.4 (MANE Select); 9 bases into the intron after coding-DNA position 1242, T replaced by A.
Molecular consequence: intron variant.
Genome position (GRCh38, 1-based): chr19:50,403,606, T>A. VCF-style: chr19-50403606-T-A. GRCh37 (hg19) VCF-style: chr19-50906863-T-A.
Other names: c.1242+9T>A (NM_001256849.1, NM_001308632.1).
Identifiers: ClinVar variation 3904192 (VCV003904192.1).

ClinVar aggregate classification (germline): Likely benign (1 of 4 stars; one submission).

Conditions:
POLD1-related polyposis and colorectal cancer syndrome (CRCS10). Also called: Colorectal cancer 10; COLORECTAL CANCER, SUSCEPTIBILITY TO, ON CHROMOSOME 19q; Colorectal cancer, susceptibility to, 10. Identifiers: Orphanet 220460, MedGen C2675481, MONDO:0012953, OMIM 612591.

Submission:

Myriad Genetics, Inc.
Classification: Likely benign for POLD1-related polyposis and colorectal cancer syndrome. Last evaluated: 2025-02-05. Review status: criteria provided, single submitter. Criteria: Myriad Autosomal Dominant, Autosomal Recessive and X-Linked Classification Criteria (2023). Collection method: clinical testing. Allele origin: unknown.
Comment: This variant is considered likely benign. This variant is intronic and is not expected to impact mRNA splicing.